The following is an entry in ClinVar:

ClinVar aggregate classification (germline): Benign/Likely benign. Review status: criteria provided, multiple submitters, no conflicts (2 of 4 stars). 7 submissions from 7 submitters: Benign (1); Likely benign (3). 3 of the submissions do not count toward it. Last evaluated 2026-01-14.

Conditions:
Hypertrophic cardiomyopathy 14. Identifiers: MedGen C2750467, MONDO:0013197, OMIM 613251.
MYH6-related disorder. Also called: MYH6-Related Disorders; MYH6-related condition.
Cardiomyopathy (CMYO). Also called: Cardiomyopathies. Identifiers: Orphanet 167848, MedGen C0878544, MONDO:0004994, HP:0001638. Inheritance: Various modes of inheritance.

Allele frequency attached by ClinVar (database versions not stated): ESP Exome Variant Server 0.00008; TOPMed 0.00016; gnomAD exomes 0.00020; gnomAD 0.00022 and 0.00024; ExAC 0.00026.
gnomAD v4.1: 634 of 1,612,186 alleles (0.039%); highest among the groups gnomAD compares: Non-Finnish European, 0.052%; no homozygotes.

Submissions (7):

Labcorp Genetics (formerly Invitae), Labcorp
Classification: Likely benign for Hypertrophic cardiomyopathy 14. Last evaluated: 2026-01-14. Review status: criteria provided, single submitter. Criteria: Invitae Variant Classification Sherloc (09022015). Collection method: clinical testing. Allele origin: germline.

Blueprint Genetics
Classification: Likely benign. Last evaluated: 2024-10-24. Review status: criteria provided, single submitter. Criteria: ACMG Guidelines, 2015. Collection method: clinical testing. Allele origin: germline.

Women's Health and Genetics/Laboratory Corporation of America, LabCorp
Classification: Benign. Last evaluated: 2023-05-09. Review status: criteria provided, single submitter. Criteria: LabCorp Variant Classification Summary - May 2015. Collection method: clinical testing. Allele origin: germline.

CHEO Genetics Diagnostic Laboratory, Children's Hospital of Eastern Ontario
Classification: Likely benign for Cardiomyopathy. Last evaluated: 2018-10-02. Review status: criteria provided, single submitter. Criteria: ACMG Guidelines, 2015. Collection method: clinical testing. Allele origin: germline.

PreventionGenetics, part of Exact Sciences
Classification: Likely benign for MYH6-related condition. Last evaluated: 2020-08-26. Review status: no assertion criteria provided. Collection method: clinical testing. Allele origin: germline. Not counted in ClinVar's aggregate classification.
Comment: This variant is classified as likely benign based on ACMG/AMP sequence variant interpretation guidelines (Richards et al. 2015 PMID: 25741868, with internal and published modifications).

Clinical Genetics, Academic Medical Center
Classification: Benign. Review status: no assertion criteria provided. Collection method: clinical testing. Allele origin: germline. Affected: yes. Study: VKGL Data-share Consensus. Not counted in ClinVar's aggregate classification.

Joint Genome Diagnostic Labs from Nijmegen and Maastricht, Radboudumc and MUMC+
Classification: Likely benign. Review status: no assertion criteria provided. Collection method: clinical testing. Allele origin: germline. Affected: yes. Study: VKGL Data-share Consensus. Not counted in ClinVar's aggregate classification.

NM_002471.4(MYH6):c.4359+10G>A

Gene: MYH6 (myosin heavy chain 6; minus strand). Cytogenetic location: 14q11.2.
Variant type: single nucleotide variant.
Coding change: c.4359+10G>A on transcript NM_002471.4 (MANE Select); 10 bases into the intron after coding-DNA position 4359, G replaced by A.
Molecular consequence: intron variant.
Genome position (GRCh38, 1-based): chr14:23,388,145, C>T on the plus strand (G>A on the coding strand, the complement: MYH6 is on the minus strand). VCF-style: chr14-23388145-C-T. GRCh37 (hg19) VCF-style: chr14-23857354-C-T.
Identifiers: ClinVar variation 312851 (VCV000312851.21), dbSNP rs368183862, ClinGen allele CA7114810.